The following is an entry in ClinVar:

ClinVar aggregate classification (germline): Uncertain significance (1 of 4 stars; one submission).

Conditions:
Hereditary cancer-predisposing syndrome. Also called: Tumor predisposition; Neoplastic Syndromes, Hereditary; Hereditary neoplastic syndrome; Hereditary Cancer Syndrome. Identifiers: Orphanet 140162, MedGen C0027672, MeSH D009386, MONDO:0015356.

Submission:

Ambry Genetics
Classification: Uncertain significance for Hereditary cancer-predisposing syndrome. Last evaluated: 2024-12-06. Review status: criteria provided, single submitter. Criteria: Ambry Variant Classification Scheme 2023. Collection method: clinical testing. Allele origin: germline.
Comment: The p.L263V variant (also known as c.787C>G), located in coding exon 6 of the ATM gene, results from a C to G substitution at nucleotide position 787. The leucine at codon 263 is replaced by valine, an amino acid with highly similar properties. This amino acid position is conserved. In addition, this alteration is predicted to be tolerated by in silico analysis. Based on the available evidence, the clinical significance of this variant remains unclear.

NM_000051.4(ATM):c.787C>G (p.Leu263Val)

Gene: ATM (ATM serine/threonine kinase; plus strand). Cytogenetic location: 11q22.3.
Variant type: single nucleotide variant.
Coding change: c.787C>G on transcript NM_000051.4 (MANE Select); coding-DNA position 787, C replaced by G.
Protein change: p.Leu263Val; replaces leucine 263 with valine.
Molecular consequence: missense variant.
Genome position (GRCh38, 1-based): chr11:108,244,912, C>G. VCF-style: chr11-108244912-C-G. GRCh37 (hg19) VCF-style: chr11-108115639-C-G.
Other names: c.787C>G, p.Leu263Val (NM_001351834.2); short protein forms L263V.
Identifiers: ClinVar variation 3453036 (VCV003453036.1).